The following is an entry in ClinVar:

NM_003970.4(MYOM2):c.1452A>G (p.Arg484=)

Gene: MYOM2 (myomesin 2; plus strand). Cytogenetic location: 8p23.3.
Variant type: single nucleotide variant.
Coding change: c.1452A>G on transcript NM_003970.4 (MANE Select); coding-DNA position 1452, A replaced by G.
Protein change: p.Arg484=; no amino-acid change (arginine 484 retained).
Molecular consequence: synonymous variant.
Genome position (GRCh38, 1-based): chr8:2,078,923, A>G. VCF-style: chr8-2078923-A-G. GRCh37 (hg19) VCF-style: chr8-2027004-A-G.
Identifiers: ClinVar variation 3771368 (VCV003771368.13).

ClinVar aggregate classification (germline): Likely benign (1 of 4 stars; one submission).

gnomAD v4.1: 380 of 1,613,658 alleles (0.024%); highest among the groups gnomAD compares: Non-Finnish European, 0.032%; no homozygotes.

Submission:

CeGaT Center for Human Genetics Tuebingen
Classification: Likely benign. Last evaluated: 2025-02-01. Review status: criteria provided, single submitter. Criteria: CeGaT Center For Human Genetics Tuebingen Variant Classification Criteria Version 2. Collection method: clinical testing. Allele origin: germline. Affected: yes. Observed: 1 variant allele.
Comment: MYOM2: BP4, BP7